The following is an entry in ClinVar:

ClinVar aggregate classification (germline): Uncertain significance (1 of 4 stars; one submission).

Allele frequency attached by ClinVar (database versions not stated): gnomAD exomes below 0.00001; gnomAD 0.00001; TOPMed 0.00002; ESP Exome Variant Server 0.00008.
gnomAD v4.1: 3 of 1,614,096 alleles (0.00019%); highest among the groups gnomAD compares: African/African-American, 0.004%; no homozygotes.

Submission:

Labcorp Genetics (formerly Invitae), Labcorp
Classification: Uncertain significance. Last evaluated: 2022-10-25. Review status: criteria provided, single submitter. Criteria: Invitae Variant Classification Sherloc (09022015). Collection method: clinical testing. Allele origin: germline.
Comment: This sequence change replaces tyrosine, which is neutral and polar, with histidine, which is basic and polar, at codon 1578 of the NBAS protein (p.Tyr1578His). This variant is not present in population databases (gnomAD no frequency). This variant has not been reported in the literature in individuals affected with NBAS-related conditions. Advanced modeling of protein sequence and biophysical properties (such as structural, functional, and spatial information, amino acid conservation, physicochemical variation, residue mobility, and thermodynamic stability) performed at Invitae indicates that this missense variant is not expected to disrupt NBAS protein function. In summary, the available evidence is currently insufficient to determine the role of this variant in disease. Therefore, it has been classified as a Variant of Uncertain Significance.

NM_015909.4(NBAS):c.4732T>C (p.Tyr1578His)

Gene: NBAS (NBAS subunit of NRZ tethering complex; minus strand). Cytogenetic location: 2p24.3.
Variant type: single nucleotide variant.
Coding change: c.4732T>C on transcript NM_015909.4 (MANE Select); coding-DNA position 4732, T replaced by C.
Protein change: p.Tyr1578His; replaces tyrosine 1578 with histidine.
Molecular consequence: missense variant. On other transcripts: non-coding transcript variant (1).
Genome position (GRCh38, 1-based): chr2:15,308,281, A>G on the plus strand (T>C on the coding strand, the complement: NBAS is on the minus strand). VCF-style: chr2-15308281-A-G. GRCh37 (hg19) VCF-style: chr2-15448405-A-G.
Other names: short protein forms Y1578H.
Identifiers: ClinVar variation 1983536 (VCV001983536.1), dbSNP rs370932817, ClinGen allele CA42624026.